The following is an entry in ClinVar:

NM_000180.4(GUCY2D):c.2506C>T (p.Arg836Trp)

Gene: GUCY2D (guanylate cyclase 2D, retinal; plus strand). Cytogenetic location: 17p13.1.
Variant type: single nucleotide variant.
Coding change: c.2506C>T on transcript NM_000180.4 (MANE Select); coding-DNA position 2506, C replaced by T.
Protein change: p.Arg836Trp; replaces arginine 836 with tryptophan.
Molecular consequence: missense variant.
Genome position (GRCh38, 1-based): chr17:8,014,694, C>T. VCF-style: chr17-8014694-C-T. GRCh37 (hg19) VCF-style: chr17-7918012-C-T.
Other names: short protein forms R836W.
Identifiers: ClinVar variation 1019973 (VCV001019973.7), dbSNP rs145420245, ClinGen allele CA8366142.

ClinVar aggregate classification (germline): Uncertain significance. Review status: criteria provided, multiple submitters, no conflicts (2 of 4 stars). 2 submissions from 2 submitters: Uncertain significance (2). Last evaluated 2025-03-17.

Conditions:
Cone-rod dystrophy 6 (CORD6). Also called: RETINAL CONE DYSTROPHY 2; Cone dystrophy progressive. Identifiers: Orphanet 1872, MedGen C1866293, MONDO:0011143, OMIM 601777.
Leber congenital amaurosis 1 (LCA1). Also called: Congenital absence of the rods and cones; Leber's congenital tapetoretinal degeneration; Leber's congenital tapetoretinal dysplasia; RETINAL BLINDNESS, CONGENITAL; AMAUROSIS CONGENITA OF LEBER I. Identifiers: Orphanet 65, MedGen C2931258, MONDO:0008764, OMIM 204000.

Allele frequency attached by ClinVar (database versions not stated): ExAC 0.00001; gnomAD exomes 0.00001 and 0.00002; gnomAD 0.00002 and 0.00003; TOPMed 0.00003; ESP Exome Variant Server 0.00008.
gnomAD v4.1: 14 of 1,556,616 alleles (0.0009%); highest among the groups gnomAD compares: Middle Eastern, 0.017%; no homozygotes.

Submissions (2):

Labcorp Genetics (formerly Invitae), Labcorp
Classification: Uncertain significance for Leber congenital amaurosis 1; Cone-rod dystrophy 6. Last evaluated: 2025-03-17. Review status: criteria provided, single submitter. Criteria: Invitae Variant Classification Sherloc (09022015). Collection method: clinical testing. Allele origin: germline.
Comment: This sequence change replaces arginine, which is basic and polar, with tryptophan, which is neutral and slightly polar, at codon 836 of the GUCY2D protein (p.Arg836Trp). This variant is present in population databases (rs145420245, gnomAD 0.004%). This missense change has been observed in individual(s) with retinitis pigmentosa (internal data). ClinVar contains an entry for this variant (Variation ID: 1019973). Invitae Evidence Modeling of protein sequence and biophysical properties (such as structural, functional, and spatial information, amino acid conservation, physicochemical variation, residue mobility, and thermodynamic stability) has been performed for this missense variant. However, the output from this modeling did not meet the statistical confidence thresholds required to predict the impact of this variant on GUCY2D protein function. In summary, the available evidence is currently insufficient to determine the role of this variant in disease. Therefore, it has been classified as a Variant of Uncertain Significance.

Blueprint Genetics
Classification: Uncertain significance. Last evaluated: 2019-11-22. Review status: criteria provided, single submitter. Criteria: ACMG Guidelines, 2015. Collection method: clinical testing. Allele origin: germline.